The following is an entry in ClinVar:

NM_003705.5(SLC25A12):c.540G>A (p.Leu180=)

Gene: SLC25A12 (solute carrier family 25 member 12; minus strand). Cytogenetic location: 2q31.1.
Variant type: single nucleotide variant.
Coding change: c.540G>A on transcript NM_003705.5 (MANE Select); coding-DNA position 540, G replaced by A.
Protein change: p.Leu180=; no amino-acid change (leucine 180 retained).
Molecular consequence: synonymous variant. On other transcripts: non-coding transcript variant (1).
Genome position (GRCh38, 1-based): chr2:171,837,193, C>T on the plus strand (G>A on the coding strand, the complement: SLC25A12 is on the minus strand). VCF-style: chr2-171837193-C-T. GRCh37 (hg19) VCF-style: chr2-172693703-C-T.
Identifiers: ClinVar variation 860156 (VCV000860156.10), dbSNP rs771375193, ClinGen allele CA1966358.

ClinVar aggregate classification (germline): Likely benign. Review status: criteria provided, multiple submitters, no conflicts (2 of 4 stars). 2 submissions from 2 submitters: Likely benign (2). Last evaluated 2026-09-01.

Allele frequency attached by ClinVar (database versions not stated): TOPMed below 0.00001; gnomAD exomes 0.00002 and 0.00004; ExAC 0.00005.
gnomAD v4.1: 12 of 1,614,046 alleles (0.00074%); highest among the groups gnomAD compares: Admixed American, 0.02%; no homozygotes.

Submissions (2):

CeGaT Center for Human Genetics Tuebingen
Classification: Likely benign. Last evaluated: 2026-09-01. Review status: criteria provided, single submitter. Criteria: CeGaT Center For Human Genetics Tuebingen Variant Classification Criteria Version 2. Collection method: clinical testing. Allele origin: germline. Affected: yes. Observed: 2 variant alleles.
Comment: SLC25A12: BP4, BP7

Labcorp Genetics (formerly Invitae), Labcorp
Classification: Likely benign. Last evaluated: 2024-05-22. Review status: criteria provided, single submitter. Criteria: Invitae Variant Classification Sherloc (09022015). Collection method: clinical testing. Allele origin: germline.